The following is an entry in ClinVar:

NM_201384.3(PLEC):c.7378_7380del (p.Glu2460del)

Gene: PLEC (plectin; minus strand). Cytogenetic location: 8q24.3.
Variant type: Deletion.
Coding change: c.7378_7380del on transcript NM_201384.3 (MANE Select); coding-DNA positions 7378 to 7380, 3 bases deleted (GAG; older notation c.7378_7380delGAG).
Protein change: p.Glu2460del; deletes glutamic acid 2460.
Molecular consequence: inframe deletion.
Genome position (GRCh38, 1-based): chr8:143,922,549-143,922,551, CTC deleted on the plus strand (GAG on the coding strand, the reverse complement: PLEC is on the minus strand); deleting any 3 consecutive bases within chr8:143,922,549-143,922,553 gives the same sequence; the c. name uses the placement nearest the transcript's 3' end. VCF-style (leftmost placement, unchanged base first): chr8-143922548-TCTC-T. GRCh37 (hg19) VCF-style: chr8-144996716-TCTC-T.
Other names: c.7459_7461del, p.Glu2487del (NM_000445.5); c.7336_7338del, p.Glu2446del (NM_201378.4); c.7312_7314del, p.Glu2438del (NM_201379.3); c.7789_7791del, p.Glu2597del (NM_201380.4); c.7282_7284del, p.Glu2428del (NM_201381.3); c.7378_7380del, p.Glu2460del (NM_201382.4); c.7390_7392del, p.Glu2464del (NM_201383.3); short protein forms E2428del, E2438del, E2446del, E2460del, E2464del, E2487del, E2597del.
Identifiers: ClinVar variation 1018322 (VCV001018322.5), dbSNP rs1199247968, ClinGen allele CA586158262.
Genomic context (GRCh38, chr8:143,922,548, plus strand): 5'-GTAGAGGGGGCGGTACCTCCTCAGACTTGAGCTGCAGCAGTTTGGCCTCCTGTTGGAGCT[TCTC>T]CTTCTCACGCTCCAGCTCAGCGATGGCCTCCCGCAGGCGCTCGGCATCATGGTCACTCTG-3'

ClinVar aggregate classification (germline): Uncertain significance (1 of 4 stars; one submission).

Conditions:
Epidermolysis bullosa simplex 5B, with muscular dystrophy (EBS5B). Also called: EPIDERMOLYSIS BULLOSA SIMPLEX AND LIMB-GIRDLE MUSCULAR DYSTROPHY; Epidermolysis bullosa simplex with muscular dystrophy. Identifiers: Orphanet 257, MedGen C2931072, MONDO:0009181, OMIM 226670.
Epidermolysis bullosa simplex, Ogna type (EBS5A). Also called: EPIDERMOLYSIS BULLOSA SIMPLEX 5A, OGNA TYPE; Pidermolysis bullosa simplex 5A, Ogna type. Identifiers: Orphanet 79401, MedGen C0432317, MONDO:0007555, OMIM 131950.
Epidermolysis bullosa simplex 5C, with pyloric atresia (EBS5C). Also called: Epidermolysis bullosa simplex with pyloric atresia; PLEC-Related Epidermolysis Bullosa with Pyloric Atresia; PLEC1-Related Epidermolysis Bullosa with Pyloric Atresia. Identifiers: Orphanet 158684, MedGen C2677349, MONDO:0012807, OMIM 612138.
Autosomal recessive limb-girdle muscular dystrophy type 2Q (LGMDR17). Also called: MUSCULAR DYSTROPHY, LIMB-GIRDLE, AUTOSOMAL RECESSIVE 17. Identifiers: Orphanet 254361, MedGen C3150989, MONDO:0013390, OMIM 613723.
Epidermolysis bullosa simplex with nail dystrophy (EBS5D). Identifiers: MedGen C4225309, MONDO:0014661, OMIM 616487.

Submission:

Labcorp Genetics (formerly Invitae), Labcorp
Classification: Uncertain significance for Autosomal recessive limb-girdle muscular dystrophy type 2Q; Epidermolysis bullosa simplex, Ogna type; Epidermolysis bullosa simplex with nail dystrophy; Epidermolysis bullosa simplex 5C, with pyloric atresia; Epidermolysis bullosa simplex 5B, with muscular dystrophy. Last evaluated: 2024-02-15. Review status: criteria provided, single submitter. Criteria: Invitae Variant Classification Sherloc (09022015). Collection method: clinical testing. Allele origin: germline.
Comment: This variant, c.7459_7461del, results in the deletion of 1 amino acid(s) of the PLEC protein (p.Glu2487del), but otherwise preserves the integrity of the reading frame. This variant is present in population databases (no rsID available, gnomAD 0.0008%). This variant has not been reported in the literature in individuals affected with PLEC-related conditions. ClinVar contains an entry for this variant (Variation ID: 1018322). Experimental studies and prediction algorithms are not available or were not evaluated, and the functional significance of this variant is currently unknown. In summary, the available evidence is currently insufficient to determine the role of this variant in disease. Therefore, it has been classified as a Variant of Uncertain Significance.